The following is an entry in ClinVar:

ClinVar aggregate classification (germline): Pathogenic (1 of 4 stars; one submission).

Conditions:
Short-rib thoracic dysplasia 10 with or without polydactyly (SRTD10). Identifiers: Orphanet 474, MedGen C3810175, MONDO:0014284, OMIM 615630.
Retinitis pigmentosa 71 (RP71). Identifiers: Orphanet 791, MedGen C4225342, MONDO:0014618, OMIM 616394.

Submission:

Labcorp Genetics (formerly Invitae), Labcorp
Classification: Pathogenic for Retinitis pigmentosa 71; Short-rib thoracic dysplasia 10 with or without polydactyly. Last evaluated: 2019-12-31. Review status: criteria provided, single submitter. Criteria: Invitae Variant Classification Sherloc (09022015). Collection method: clinical testing. Allele origin: germline.
Comment: For these reasons, this variant has been classified as Pathogenic. Loss-of-function variants in IFT172 are known to be pathogenic (PMID: 24140113). This variant has not been reported in the literature in individuals with IFT172-related conditions. This variant is an out-of-frame deletion of the genomic region encompassing exon(s) 19-20 of the IFT172 gene. This is expected to create a premature translational stop signal and result in an absent or disrupted protein product.

Literature cited by the submitters: PubMed 24140113.

NC_000002.12:g.(?_27462701)_(27463181_?)del

Gene: IFT172 (intraflagellar transport 172; minus strand). Cytogenetic location: 2p23.3.
Variant type: Deletion.
Identifiers: ClinVar variation 831594 (VCV000831594.3).